The following is an entry in ClinVar:

NM_031407.7(HUWE1):c.11586G>A (p.Glu3862=)

Gene: HUWE1 (HECT, UBA and WWE domain containing E3 ubiquitin protein ligase 1; minus strand). Cytogenetic location: Xp11.22.
Variant type: single nucleotide variant.
Coding change: c.11586G>A on transcript NM_031407.7 (MANE Select); coding-DNA position 11586, G replaced by A.
Protein change: p.Glu3862=; no amino-acid change (glutamic acid 3862 retained).
Molecular consequence: synonymous variant.
Genome position (GRCh38, 1-based): chrX:53,539,703, C>T on the plus strand (G>A on the coding strand, the complement: HUWE1 is on the minus strand). VCF-style: chrX-53539703-C-T. GRCh37 (hg19) VCF-style: chrX-53566664-C-T.
Other names: c.11586G>A (NM_031407.6).
Identifiers: ClinVar variation 588079 (VCV000588079.34), dbSNP rs140165465, ClinGen allele CA10421347.

ClinVar aggregate classification (germline): Benign/Likely benign. Review status: criteria provided, multiple submitters, no conflicts (2 of 4 stars). 4 submissions from 4 submitters: Benign (1); Likely benign (2). 1 of the submissions does not count toward it. Last evaluated 2025-11-10.

Conditions:
HUWE1-related disorder. Also called: HUWE1-related condition.
Inborn genetic diseases. Identifiers: MedGen C0950123, MeSH D030342.

Allele frequency attached by ClinVar (database versions not stated): gnomAD exomes 0.00009; ExAC 0.00014; gnomAD 0.00026 and 0.00029; ESP Exome Variant Server 0.00028; TOPMed 0.00067; 1000 Genomes Project 0.00079; 1000 Genomes Project 30x 0.00083.
gnomAD v4.1: 139 of 1,209,913 alleles (0.011%); highest among the groups gnomAD compares: Admixed American, 0.057%; no homozygotes.

Submissions (4):

Labcorp Genetics (formerly Invitae), Labcorp
Classification: Benign. Last evaluated: 2025-11-10. Review status: criteria provided, single submitter. Criteria: Invitae Variant Classification Sherloc (09022015). Collection method: clinical testing. Allele origin: germline.

CeGaT Center for Human Genetics Tuebingen
Classification: Likely benign. Last evaluated: 2022-03-01. Review status: criteria provided, single submitter. Criteria: CeGaT Center For Human Genetics Tuebingen Variant Classification Criteria Version 2. Collection method: clinical testing. Allele origin: germline. Affected: yes. Observed: 1 variant allele.
Comment: HUWE1: BP4, BP7

Ambry Genetics
Classification: Likely benign for Inborn genetic diseases. Last evaluated: 2016-08-23. Review status: criteria provided, single submitter. Criteria: Ambry Variant Classification Scheme 2023. Collection method: clinical testing. Allele origin: germline.

PreventionGenetics, part of Exact Sciences
Classification: Likely benign for HUWE1-related condition. Last evaluated: 2020-03-06. Review status: no assertion criteria provided. Collection method: clinical testing. Allele origin: germline. Not counted in ClinVar's aggregate classification.
Comment: This variant is classified as likely benign based on ACMG/AMP sequence variant interpretation guidelines (Richards et al. 2015 PMID: 25741868, with internal and published modifications).